The following is an entry in ClinVar:

NM_004985.5(KRAS):c.229G>T (p.Gly77Cys)

Gene: KRAS (KRAS proto-oncogene, GTPase; minus strand). Cytogenetic location: 12p12.1.
Variant type: single nucleotide variant.
Coding change: c.229G>T on transcript NM_004985.5 (MANE Select); coding-DNA position 229, G replaced by T.
Protein change: p.Gly77Cys; replaces glycine 77 with cysteine.
Molecular consequence: missense variant.
Genome position (GRCh38, 1-based): chr12:25,227,295, C>A on the plus strand (G>T on the coding strand, the complement: KRAS is on the minus strand). VCF-style: chr12-25227295-C-A. GRCh37 (hg19) VCF-style: chr12-25380229-C-A.
Other names: c.229G>T, p.Gly77Cys (NM_001369786.1, NM_001369787.1, NM_033360.4); short protein forms G77C.
Identifiers: ClinVar variation 1676497 (VCV001676497.3), dbSNP rs2141509652, ClinGen allele CA384151907.

ClinVar aggregate classification (germline): Likely pathogenic (1 of 4 stars; one submission).

Conditions:
Noonan syndrome 3 (NS3). Also called: KRAS-Related Noonan Syndrome. Identifiers: Orphanet 648, MedGen C1860991, MONDO:0012371, OMIM 609942.

Submission:

Greenwood Genetic Center Diagnostic Laboratories, Greenwood Genetic Center
Classification: Likely pathogenic for Noonan syndrome 3. Last evaluated: 2022-03-18. Review status: criteria provided, single submitter. Criteria: ACMG Guidelines, 2015. Collection method: clinical testing. Allele origin: germline. Affected: yes.
Comment: PS2 PM2 PP3